The following is an entry in ClinVar:

ClinVar aggregate classification (germline): Pathogenic. Review status: reviewed by expert panel (3 of 4 stars). 8 submissions from 8 submitters: Pathogenic (1). 7 of the submissions do not count toward it. Last evaluated 2018-09-17.

Conditions:
USH2A-related disorder. Also called: USH2A-related condition; USH2A-related disorders. Identifiers: MedGen CN239332.
Usher syndrome type 2A. Also called: USHER SYNDROME, TYPE IIA; RETINAL DISEASE IN USHER SYNDROME TYPE IIA, MODIFIER OF. Identifiers: Orphanet 231178, Orphanet 886, MedGen C1848634, MONDO:0010169, OMIM 276901.
Retinitis pigmentosa 39 (RP39). Identifiers: Orphanet 791, MedGen C3151138, MONDO:0013436, OMIM 613809.
Usher syndrome. Also called: Usher's syndrome; Usher Syndromes. Identifiers: Orphanet 886, MedGen CN469326, MeSH D052245, MONDO:0019501. Disease mechanism: loss of function.
Rare genetic deafness. Identifiers: Orphanet 96210, MedGen C5680250.

Allele frequency attached by ClinVar (database versions not stated): gnomAD exomes 0.00001; ExAC 0.00002; gnomAD 0.00002 and 0.00003; TOPMed 0.00002.
gnomAD v4.1: 4 of 1,613,660 alleles (0.00025%); highest among the groups gnomAD compares: Middle Eastern, 0.016%; no homozygotes.

Submissions (8):

ClinGen Hearing Loss Variant Curation Expert Panel
Classification: Pathogenic for Usher syndrome. Last evaluated: 2018-09-17. Review status: reviewed by expert panel. Criteria: ClinGen HL ACMG Specifications v1. Collection method: curation. Allele origin: germline. Inheritance: Autosomal recessive inheritance.
Comment: The p.Tyr3747X variant in USH2A is predicted to cause a premature stop codon in biologically-relevant-exon 58/72 that leads to a truncated or absent protein in a gene in which loss-of-function is an established mechanism (PVS1). The allele frequency of the p.Tyr3747X variant in the Ush2A gene is 0.017% (4/24020) of African chromosomes by the Genome Aggregation Database, which is a low enough frequency to award PM2_Supporting based on the thresholds defined by the ClinGen Hearing Loss Expert Panel for autosomal recessive hearing loss ( PM2_Supporting). This variant has been detected in 1 patient with hearing loss in trans with a suspected pathogenic variant (PM3_Supporting, Partners LMM internal data SCV000713838.1). In summary, this variant meets criteria to be classified as pathogenic for autosomal recessive Usher syndrome based on the ACMG/AMP criteria applied: PVS1, PM2_Supporting, PM3_Supporting.

Otogenetics
Classification: Pathogenic for Usher syndrome type 2A; Retinitis pigmentosa 39. Last evaluated: 2025-10-24. Review status: criteria provided, single submitter. Criteria: ACMG Guidelines, 2015. Collection method: clinical testing. Allele origin: germline. Not counted in ClinVar's aggregate classification.
Comment: PVS1: Stop gain variant introduces premature stop codon in gene with loss of function as mechanism of disease, predicted to undergo NMD; PM2: Maximum gnomAD MAF of 0.016% in African (AFR) subpopulation (<0.251% threshold); PM3: Variant reported in trans with another pathogenic variant (USH2A c.12093del p.Tyr4031*) in an individual affected with retinitis pigmentosa (PMID: 30337596)

Labcorp Genetics (formerly Invitae), Labcorp
Classification: Pathogenic. Last evaluated: 2025-07-31. Review status: criteria provided, single submitter. Criteria: Invitae Variant Classification Sherloc (09022015). Collection method: clinical testing. Allele origin: germline. Not counted in ClinVar's aggregate classification.
Comment: This sequence change creates a premature translational stop signal (p.Tyr3747*) in the USH2A gene. It is expected to result in an absent or disrupted protein product. Loss-of-function variants in USH2A are known to be pathogenic (PMID: 10729113, 10909849, 20507924, 25649381). This variant is present in population databases (rs777465132, gnomAD 0.02%). This premature translational stop signal has been observed in individual(s) with inherited retinal dystrophy (PMID: 30337596). ClinVar contains an entry for this variant (Variation ID: 506273). For these reasons, this variant has been classified as Pathogenic.

GeneDx
Classification: Pathogenic. Last evaluated: 2023-07-21. Review status: criteria provided, single submitter. Criteria: GeneDx Variant Classification Process June 2021. Collection method: clinical testing. Allele origin: germline. Affected: yes. Not counted in ClinVar's aggregate classification.
Comment: Nonsense variant predicted to result in protein truncation or nonsense mediated decay in a gene for which loss-of-function is a known mechanism of disease; Reported as pathogenic by the ClinGen Hearing Loss Expert Panel (Oza et al., 2018); This variant is associated with the following publications: (PMID: 30311386, 30337596, 34948090)

Baylor Genetics
Classification: Pathogenic for Retinitis pigmentosa 39. Last evaluated: 2023-05-16. Review status: criteria provided, single submitter. Criteria: ACMG Guidelines, 2015. Collection method: clinical testing. Allele origin: unknown. Not counted in ClinVar's aggregate classification.

Blueprint Genetics
Classification: Pathogenic for USH2A-related disorders. Last evaluated: 2022-06-21. Review status: criteria provided, single submitter. Criteria: ACMG Guidelines, 2015. Collection method: clinical testing. Allele origin: germline. Affected: yes. Observed: 3 variant alleles. Not counted in ClinVar's aggregate classification.

Laboratory for Molecular Medicine, Mass General Brigham Personalized Medicine
Classification: Pathogenic for Rare genetic deafness. Last evaluated: 2018-01-30. Review status: criteria provided, single submitter. Criteria: LMM Criteria. Collection method: clinical testing. Allele origin: germline. Inheritance: Autosomal recessive inheritance. Observed: 1 variant allele. Not counted in ClinVar's aggregate classification.
Comment: The p.Tyr3747X variant in USH2A has not been previously reported in individuals with hearing loss or Usher syndrome, but has been identified in 0.02% (4/24020) of African chromosomes by the Genome Aggregation Database (gnomAD .; dbSNP rs777465132). This nonsense variant leads to a premat ure termination codon at position 3747, which is predicted to lead to a truncate d or absent protein. Variants in USH2A resulting in a loss of function of the pr otein is an established disease mechanism in autosomal recessive Usher syndrome. In addition, this variant is likely in trans with the deletion of exons 63-64 i n USH2A given that previous cases with the deletion did not carry this variant. This provides additional evidence that the variant is pathogenic. In summary, th is variant meets our criteria to be classified as pathogenic for autosomal reces sive Usher syndrome. ACMG/AMP Criteria applied: PVS1; PM2; PM3.

Natera, Inc.
Classification: Pathogenic for Usher syndrome type 2A. Last evaluated: 2020-09-16. Review status: no assertion criteria provided. Collection method: clinical testing. Allele origin: germline. Not counted in ClinVar's aggregate classification.

Literature cited by the submitters: PubMed 30337596 (cited by Otogenetics and Labcorp Genetics (formerly Invitae), Labcorp); PubMed 10729113 (cited by Labcorp Genetics (formerly Invitae), Labcorp); PubMed 10909849 (cited by Labcorp Genetics (formerly Invitae), Labcorp); PubMed 20507924 (cited by Labcorp Genetics (formerly Invitae), Labcorp); PubMed 25649381 (cited by Labcorp Genetics (formerly Invitae), Labcorp).

NM_206933.4(USH2A):c.11241C>A (p.Tyr3747Ter)

Gene: USH2A (usherin; minus strand). Cytogenetic location: 1q41.
Variant type: single nucleotide variant.
Coding change: c.11241C>A on transcript NM_206933.4 (MANE Select); coding-DNA position 11241, C replaced by A.
Protein change: p.Tyr3747Ter; replaces tyrosine 3747 with a stop codon.
Molecular consequence: nonsense.
Genome position (GRCh38, 1-based): chr1:215,758,743, G>T on the plus strand (C>A on the coding strand, the complement: USH2A is on the minus strand). VCF-style: chr1-215758743-G-T. GRCh37 (hg19) VCF-style: chr1-215932085-G-T.
Other names: NM_206933.2(USH2A):c.11241C>A(p.Tyr3747Ter); NM_206933.2(USH2A):c.11241C>A; short protein forms Y3747*.
Identifiers: ClinVar variation 506273 (VCV000506273.21), dbSNP rs777465132, ClinGen allele CA1393780.